The following is an entry in ClinVar:

NM_020366.4(RPGRIP1):c.2923A>G (p.Ile975Val)

Gene: RPGRIP1 (RPGR interacting protein 1; plus strand). Cytogenetic location: 14q11.2.
Variant type: single nucleotide variant.
Coding change: c.2923A>G on transcript NM_020366.4 (MANE Select); coding-DNA position 2923, A replaced by G.
Protein change: p.Ile975Val; replaces isoleucine 975 with valine.
Molecular consequence: missense variant.
Genome position (GRCh38, 1-based): chr14:21,328,451, A>G. VCF-style: chr14-21328451-A-G. GRCh37 (hg19) VCF-style: chr14-21796610-A-G.
Other names: c.901A>G, p.Ile301Val (NM_001377523.1, NM_001377950.1); c.1849A>G, p.Ile617Val (NM_001377948.1); c.1009A>G, p.Ile337Val (NM_001377949.1); c.403A>G, p.Ile135Val (NM_001377951.1); short protein forms I135V, I301V, I337V, I617V, I975V.
Identifiers: ClinVar variation 1056782 (VCV001056782.9), dbSNP rs2139250653, ClinGen allele CA388870926.

ClinVar aggregate classification (germline): Uncertain significance (1 of 4 stars; one submission).

Conditions:
Leber congenital amaurosis 6 (LCA6). Identifiers: Orphanet 65, MedGen C1854260, MONDO:0013446, OMIM 613826.
Cone-rod dystrophy 13 (CORD13). Identifiers: Orphanet 1872, MedGen C2750720, MONDO:0011987, OMIM 608194.

Submission:

Labcorp Genetics (formerly Invitae), Labcorp
Classification: Uncertain significance for Leber congenital amaurosis 6; Cone-rod dystrophy 13. Last evaluated: 2022-07-25. Review status: criteria provided, single submitter. Criteria: Invitae Variant Classification Sherloc (09022015). Collection method: clinical testing. Allele origin: germline.
Comment: This variant has not been reported in the literature in individuals affected with RPGRIP1-related conditions. In summary, the available evidence is currently insufficient to determine the role of this variant in disease. Therefore, it has been classified as a Variant of Uncertain Significance. Algorithms developed to predict the effect of missense changes on protein structure and function output the following: SIFT: "Tolerated"; PolyPhen-2: "Benign"; Align-GVGD: "Class C0". The valine amino acid residue is found in multiple mammalian species, which suggests that this missense change does not adversely affect protein function. ClinVar contains an entry for this variant (Variation ID: 1056782). This variant is not present in population databases (gnomAD no frequency). This sequence change replaces isoleucine, which is neutral and non-polar, with valine, which is neutral and non-polar, at codon 975 of the RPGRIP1 protein (p.Ile975Val).